The following is an entry in ClinVar:

NM_001035.3(RYR2):c.5018C>T (p.Ala1673Val)

Gene: RYR2 (ryanodine receptor 2; plus strand). Cytogenetic location: 1q43.
Variant type: single nucleotide variant.
Coding change: c.5018C>T on transcript NM_001035.3 (MANE Select); coding-DNA position 5018, C replaced by T.
Protein change: p.Ala1673Val; replaces alanine 1673 with valine.
Molecular consequence: missense variant.
Genome position (GRCh38, 1-based): chr1:237,614,146, C>T. VCF-style: chr1-237614146-C-T. GRCh37 (hg19) VCF-style: chr1-237777446-C-T.
Other names: short protein forms A1673V.
Identifiers: ClinVar variation 1380875 (VCV001380875.9), dbSNP rs2148593806, ClinGen allele CA345403840.

ClinVar aggregate classification (germline): Uncertain significance (1 of 4 stars; one submission).

Conditions:
Catecholaminergic polymorphic ventricular tachycardia 1. Also called: RYR2-Related Catecholaminergic Polymorphic Ventricular Tachycardia; VENTRICULAR TACHYCARDIA, CATECHOLAMINERGIC POLYMORPHIC, 1, WITH OR WITHOUT ATRIAL DYSFUNCTION AND/OR DILATED CARDIOMYOPATHY; VENTRICULAR TACHYCARDIA, STRESS-INDUCED POLYMORPHIC 1. Identifiers: Orphanet 3286, MedGen C1631597, MONDO:0011484, OMIM 604772.

Submission:

Labcorp Genetics (formerly Invitae), Labcorp
Classification: Uncertain significance for Catecholaminergic polymorphic ventricular tachycardia 1. Last evaluated: 2021-03-23. Review status: criteria provided, single submitter. Criteria: Invitae Variant Classification Sherloc (09022015). Collection method: clinical testing. Allele origin: germline.
Comment: In summary, the available evidence is currently insufficient to determine the role of this variant in disease. Therefore, it has been classified as a Variant of Uncertain Significance. Advanced modeling of protein sequence and biophysical properties (such as structural, functional, and spatial information, amino acid conservation, physicochemical variation, residue mobility, and thermodynamic stability) performed at Invitae indicates that this missense variant is expected to disrupt RYR2 protein function. This variant has not been reported in the literature in individuals with RYR2-related conditions. This variant is not present in population databases (ExAC no frequency). This sequence change replaces alanine with valine at codon 1673 of the RYR2 protein (p.Ala1673Val). The alanine residue is highly conserved and there is a small physicochemical difference between alanine and valine.